The following is an entry in ClinVar:

ClinVar aggregate classification (germline): Uncertain significance (1 of 4 stars; one submission).

gnomAD v4.1: 6 of 1,614,090 alleles (0.00037%); highest among the groups gnomAD compares: South Asian, 0.0011%; no homozygotes.

Submission:

Labcorp Genetics (formerly Invitae), Labcorp
Classification: Uncertain significance. Last evaluated: 2022-10-05. Review status: criteria provided, single submitter. Criteria: Invitae Variant Classification Sherloc (09022015). Collection method: clinical testing. Allele origin: germline.
Comment: In summary, the available evidence is currently insufficient to determine the role of this variant in disease. Therefore, it has been classified as a Variant of Uncertain Significance. Advanced modeling of protein sequence and biophysical properties (such as structural, functional, and spatial information, amino acid conservation, physicochemical variation, residue mobility, and thermodynamic stability) performed at Invitae indicates that this missense variant is expected to disrupt MCPH1 protein function. ClinVar contains an entry for this variant (Variation ID: 1389902). This variant has not been reported in the literature in individuals affected with MCPH1-related conditions. This variant is present in population databases (no rsID available, gnomAD 0.007%). This sequence change replaces proline, which is neutral and non-polar, with leucine, which is neutral and non-polar, at codon 771 of the MCPH1 protein (p.Pro771Leu).

NM_024596.5(MCPH1):c.2312C>T (p.Pro771Leu)

Genes: MCPH1 (microcephalin 1; plus strand), MCPH1-AS1 (MCPH1 antisense RNA 1; minus strand). Cytogenetic location: 8p23.1.
Variant type: single nucleotide variant.
Coding change: c.2312C>T on transcript NM_024596.5 (MANE Select); coding-DNA position 2312, C replaced by T.
Protein change: p.Pro771Leu; replaces proline 771 with leucine.
Molecular consequence: missense variant. On other transcripts: non-coding transcript variant (1).
Genome position (GRCh38, 1-based): chr8:6,621,551, C>T. VCF-style: chr8-6621551-C-T. GRCh37 (hg19) VCF-style: chr8-6479072-C-T.
Other names: c.2312C>T, p.Pro771Leu (NM_001322042.2, NM_001363979.1); c.2033C>T, p.Pro678Leu (NM_001363980.2); short protein forms P771L, P678L.
Identifiers: ClinVar variation 1389902 (VCV001389902.4), dbSNP rs1039322742, ClinGen allele CA370216366.